The following is an entry in ClinVar:

NM_000083.3(CLCN1):c.352= (p.Gly118=)

Gene: CLCN1 (chloride voltage-gated channel 1; plus strand). Cytogenetic location: 7q34.
Variant type: single nucleotide variant.
Coding change: c.352= on transcript NM_000083.3 (MANE Select); coding-DNA position 352, no change from the reference sequence.
Protein change: p.Gly118=; no amino-acid change (glycine 118 retained).
Molecular consequence: no sequence alteration. On other transcripts: non-coding transcript variant (1).
Genome position: GRCh38 VCF-style: chr7-143320714-G-G. GRCh37 (hg19) VCF-style: chr7-143017807-G-G.
Identifiers: ClinVar variation 447067 (VCV000447067.13), dbSNP rs10282312.

ClinVar aggregate classification (germline): Benign. Review status: criteria provided, multiple submitters, no conflicts (2 of 4 stars). 3 submissions from 3 submitters: Benign (3). Last evaluated 2026-02-04.

Conditions:
Congenital myotonia, autosomal recessive form. Also called: myotonia congenita, autosomal recessive; BECKER DISEASE; Becker Generalized Myotonia. Identifiers: Orphanet 614, MedGen C0751360, MONDO:0009715, OMIM 255700.
Congenital myotonia, autosomal dominant form (THD). Also called: THOMSEN DISEASE; Myotonia congenita autosomal dominant. Identifiers: Orphanet 614, MedGen C2936781, MONDO:0008055, OMIM 160800.

Allele frequency attached by ClinVar (database versions not stated): 1000 Genomes Project 30x 0.00625; 1000 Genomes Project 0.00639; ExAC 0.01393; gnomAD exomes 0.01478 and 0.02404; TOPMed 0.01507; gnomAD 0.01567 and 0.01651; ESP Exome Variant Server 0.01815.

Submissions (3):

Labcorp Genetics (formerly Invitae), Labcorp
Classification: Benign for Congenital myotonia, autosomal recessive form; Congenital myotonia, autosomal dominant form. Last evaluated: 2026-02-04. Review status: criteria provided, single submitter. Criteria: Invitae Variant Classification Sherloc (09022015). Collection method: clinical testing. Allele origin: germline.

Athena Diagnostics
Classification: Benign. Last evaluated: 2025-08-27. Review status: criteria provided, single submitter. Criteria: Athena Diagnostics Criteria. Collection method: clinical testing. Allele origin: unknown.
Comment: The frequency of this variant in the general population is higher than would generally be expected for pathogenic variants in this gene.

GeneDx
Classification: Benign. Last evaluated: 2016-02-16. Review status: criteria provided, single submitter. Criteria: GeneDx Variant Classification (06012015). Collection method: clinical testing. Allele origin: germline. Affected: yes.
Comment: This variant is considered likely benign or benign based on one or more of the following criteria: it is a conservative change, it occurs at a poorly conserved position in the protein, it is predicted to be benign by multiple in silico algorithms, and/or has population frequency not consistent with disease.

Literature cited by the submitters: PubMed 27884173 (cited by Athena Diagnostics); PubMed 23152584 (cited by Athena Diagnostics); PubMed 11933197 (cited by Athena Diagnostics).